The following is an entry in ClinVar:

ClinVar aggregate classification (germline): Uncertain significance (1 of 4 stars; one submission).

Submission:

GeneDx
Classification: Uncertain significance. Last evaluated: 2024-09-23. Review status: criteria provided, single submitter. Criteria: GeneDx Variant Classification Process June 2021. Collection method: clinical testing. Allele origin: germline. Affected: yes.
Comment: Not observed at significant frequency in large population cohorts (gnomAD); In silico analysis indicates that this missense variant does not alter protein structure/function; Has not been previously published as pathogenic or benign to our knowledge

NM_001394062.1(MACF1):c.3227G>A (p.Arg1076Lys)

Gene: MACF1 (microtubule actin crosslinking factor 1; plus strand). Cytogenetic location: 1p34.3.
Variant type: single nucleotide variant.
Coding change: c.3227G>A on transcript NM_001394062.1 (MANE Select); coding-DNA position 3227, G replaced by A.
Protein change: p.Arg1076Lys; replaces arginine 1076 with lysine.
Molecular consequence: missense variant.
Genome position (GRCh38, 1-based): chr1:39,310,957, G>A. VCF-style: chr1-39310957-G-A. GRCh37 (hg19) VCF-style: chr1-39776629-G-A.
Other names: c.3242G>A, p.Arg1081Lys (NM_012090.5); short protein forms R1076K, R1081K.
Identifiers: ClinVar variation 3773970 (VCV003773970.1).